The following is an entry in ClinVar:

ClinVar aggregate classification (germline): Pathogenic (1 of 4 stars; one submission).

Conditions:
Primary ciliary dyskinesia. Also called: Ciliary dyskinesia. Identifiers: Orphanet 244, MedGen C0008780, MONDO:0016575, HP:0012265.

Allele frequency attached by ClinVar (database versions not stated): gnomAD exomes below 0.00001; gnomAD 0.00001.

Submission:

Labcorp Genetics (formerly Invitae), Labcorp
Classification: Pathogenic for Primary ciliary dyskinesia. Last evaluated: 2022-12-30. Review status: criteria provided, single submitter. Criteria: Invitae Variant Classification Sherloc (09022015). Collection method: clinical testing. Allele origin: germline.
Comment: This sequence change creates a premature translational stop signal (p.Val479*) in the DNAAF1 gene. It is expected to result in an absent or disrupted protein product. Loss-of-function variants in DNAAF1 are known to be pathogenic (PMID: 19944400, 19944405). This variant is present in population databases (no rsID available, gnomAD 0.01%). This variant has not been reported in the literature in individuals affected with DNAAF1-related conditions. For these reasons, this variant has been classified as Pathogenic.

Literature cited by the submitters: PubMed 19944400; PubMed 19944405.

NM_178452.6(DNAAF1):c.1435del (p.Pro478_Val479insTer)

Gene: DNAAF1 (dynein axonemal assembly factor 1; plus strand). Cytogenetic location: 16q24.1.
Variant type: Deletion.
Coding change: c.1435del on transcript NM_178452.6 (MANE Select); coding-DNA position 1435, one base deleted (G; older notation c.1435delG).
Protein change: p.Pro478_Val479insTer.
Molecular consequence: nonsense.
Genome position (GRCh38, 1-based): chr16:84,170,263, G deleted. VCF-style (leftmost placement, unchanged base first): chr16-84170262-TG-T. GRCh37 (hg19) VCF-style: chr16-84203868-TG-T.
Other names: c.727del, p.Pro242_Val243insTer (NM_001318756.1).
Identifiers: ClinVar variation 3004708 (VCV003004708.3), dbSNP rs1236797387, ClinGen allele CA624018962.